The following is an entry in ClinVar:

ClinVar aggregate classification (germline): Uncertain significance. Review status: criteria provided, multiple submitters, no conflicts (2 of 4 stars). 7 submissions from 7 submitters: Uncertain significance (6). 1 of the submissions does not count toward it. Last evaluated 2025-12-15.

Conditions:
POLD1-related polyposis and colorectal cancer syndrome (CRCS10). Also called: Colorectal cancer, susceptibility to, 10; Colorectal cancer 10; COLORECTAL CANCER, SUSCEPTIBILITY TO, ON CHROMOSOME 19q. Identifiers: Orphanet 220460, MedGen C2675481, MONDO:0012953, OMIM 612591.
Familial colorectal cancer type X. Identifiers: Orphanet 440437, MedGen C3896578, MONDO:0018604.
Polymerase proofreading-related adenomatous polyposis. Also called: Polymerase proofreading associated polyposis; Polymerase proofreading–associated polyposis (PPAP). Identifiers: Orphanet 447877, MedGen C5202613, MONDO:0018653.
POLD1-related disorder. Also called: POLD1-related disorders; POLD1-related condition.
Mandibular hypoplasia-deafness-progeroid syndrome. Also called: Mandibular hypoplasia, deafness, progeroid features, and lipodystrophy syndrome. Identifiers: Orphanet 363649, MedGen C3715192, MONDO:0014157, OMIM 615381.
Hereditary cancer-predisposing syndrome. Also called: Neoplastic Syndromes, Hereditary; Hereditary neoplastic syndrome; Hereditary Cancer Syndrome; Tumor predisposition. Identifiers: Orphanet 140162, MedGen C0027672, MeSH D009386, MONDO:0015356.

Allele frequency attached by ClinVar (database versions not stated): TOPMed 0.00001; ExAC 0.00002; gnomAD 0.00003.
gnomAD v4.1: 31 of 1,613,898 alleles (0.0019%); highest among the groups gnomAD compares: South Asian, 0.013%; no homozygotes.

Submissions (7):

Labcorp Genetics (formerly Invitae), Labcorp
Classification: Uncertain significance for POLD1-related polyposis and colorectal cancer syndrome. Last evaluated: 2025-12-15. Review status: criteria provided, single submitter. Criteria: Invitae Variant Classification Sherloc (09022015). Collection method: clinical testing. Allele origin: germline.
Comment: This sequence change replaces arginine, which is basic and polar, with tryptophan, which is neutral and slightly polar, at codon 432 of the POLD1 protein (p.Arg432Trp). This variant is present in population databases (rs774130423, gnomAD 0.01%). This variant has not been reported in the literature in individuals affected with POLD1-related conditions. ClinVar contains an entry for this variant (Variation ID: 408071). Invitae Evidence Modeling of protein sequence and biophysical properties (such as structural, functional, and spatial information, amino acid conservation, physicochemical variation, residue mobility, and thermodynamic stability) indicates that this missense variant is not expected to disrupt POLD1 protein function with a negative predictive value of 80%. In summary, the available evidence is currently insufficient to determine the role of this variant in disease. Therefore, it has been classified as a Variant of Uncertain Significance.

GeneDx
Classification: Uncertain significance. Last evaluated: 2025-04-02. Review status: criteria provided, single submitter. Criteria: GeneDx Variant Classification Process June 2021. Collection method: clinical testing. Allele origin: germline.
Comment: Not observed at significant frequency in large population cohorts (gnomAD); In silico analysis supports that this missense variant has a deleterious effect on protein structure/function; In silico analysis suggests this variant may impact gene splicing. In the absence of RNA/functional studies, the actual effect of this sequence change is unknown; Has not been previously published as pathogenic or benign to our knowledge; This variant is associated with the following publications: (PMID: 29056344, 20951805)

Ambry Genetics
Classification: Uncertain significance for Hereditary cancer-predisposing syndrome. Last evaluated: 2024-07-27. Review status: criteria provided, single submitter. Criteria: Ambry Variant Classification Scheme 2023. Collection method: clinical testing. Allele origin: germline.
Comment: The p.R432W variant (also known as c.1294C>T), located in coding exon 10 of the POLD1 gene, results from a C to T substitution at nucleotide position 1294. The arginine at codon 432 is replaced by tryptophan, an amino acid with dissimilar properties. This amino acid position is well conserved in available vertebrate species. In addition, this alteration is predicted to be tolerated by in silico analysis. Since supporting evidence is limited at this time, the clinical significance of this alteration remains unclear.

Clinical Genomics Laboratory, Washington University in St. Louis
Classification: Uncertain significance for POLD1-related polyposis and colorectal cancer syndrome; Mandibular hypoplasia-deafness-progeroid syndrome. Last evaluated: 2023-12-14. Review status: criteria provided, single submitter. Criteria: ACMG Guidelines, 2015. Collection method: clinical testing. Allele origin: germline.
Comment: The POLD1 c.1294C>T (p.Arg432Trp) variant, to our knowledge, has not been reported in the medical literature. The highest population minor allele frequency in the population database genome aggregation database (v.2.1.1) is 0.01% in the South Asian population. Computational predictors suggest that the variant does not impact POLD1 function. This variant has been reported in the ClinVar database as a germline variant of uncertain significance for hereditary cancer-predisposing syndrome and susceptibility to colorectal cancer by three submitters. Due to limited information, and based on ACMG/AMP guidelines for variant interpretation (Richards S et al., PMID: 25741868), the clinical significance of this variant is uncertain at this time.

Department of Pathology and Laboratory Medicine, Sinai Health System
Classification: Uncertain significance for Polymerase proofreading-related adenomatous polyposis; Familial colorectal cancer type X. Last evaluated: 2023-03-09. Review status: criteria provided, single submitter. Criteria: ACMG Guidelines, 2015. Collection method: clinical testing. Allele origin: germline. Affected: yes.

Sema4
Classification: Uncertain significance for Hereditary cancer-predisposing syndrome. Last evaluated: 2021-05-26. Review status: criteria provided, single submitter. Criteria: Sema4 Curation Guidelines. Collection method: curation. Allele origin: germline.
Comment: To the best of our knowledge, the POLD1 c.1294C>T (p.R432W) variant has not been reported in individuals with POLD1-related disease. It was observed in 5/282692 chromosomes in the large and broad cohorts of the Genome Aggregation Database (PMID: 32461654). The variant has been reported in ClinVar (Variation ID: 408071). In silico tools suggest the impact of the variant on protein function is inconclusive, though these predictions have not been confirmed by functional studies. The evidence is insufficient to meet ACMG/AMP criteria for classifying the variant as benign or pathogenic. Thus, the clinical significance of this variant is currently uncertain.

PreventionGenetics, part of Exact Sciences
Classification: Uncertain significance for POLD1-related condition. Last evaluated: 2024-08-12. Review status: no assertion criteria provided. Collection method: clinical testing. Allele origin: germline. Not counted in ClinVar's aggregate classification.
Comment: The POLD1 c.1294C>T variant is predicted to result in the amino acid substitution p.Arg432Trp. To our knowledge, this variant has not been reported in the literature. This variant is reported in 0.0098% of alleles in individuals of South Asian descent in gnomAD. At this time, the clinical significance of this variant is uncertain due to the absence of conclusive functional and genetic evidence.

NM_002691.4(POLD1):c.1294C>T (p.Arg432Trp)

Gene: POLD1 (DNA polymerase delta 1, catalytic subunit; plus strand). Cytogenetic location: 19q13.33.
Variant type: single nucleotide variant.
Coding change: c.1294C>T on transcript NM_002691.4 (MANE Select); coding-DNA position 1294, C replaced by T.
Protein change: p.Arg432Trp; replaces arginine 432 with tryptophan.
Molecular consequence: missense variant. On other transcripts: non-coding transcript variant (1).
Genome position (GRCh38, 1-based): chr19:50,406,233, C>T. VCF-style: chr19-50406233-C-T. GRCh37 (hg19) VCF-style: chr19-50909490-C-T.
Other names: c.1294C>T, p.Arg432Trp (NM_001256849.1, NM_001308632.1); short protein forms R432W.
Identifiers: ClinVar variation 408071 (VCV000408071.20), dbSNP rs774130423, ClinGen allele CA9596102.